The following is an entry in ClinVar:

NM_000626.4(CD79B):c.299A>G (p.Gln100Arg)

Genes: CD79B (CD79b molecule; minus strand), GH-LCR (growth hormone locus control region; plus strand). Cytogenetic location: 17q23.3.
Variant type: single nucleotide variant.
Coding change: c.299A>G on transcript NM_000626.4 (MANE Select); coding-DNA position 299, A replaced by G.
Protein change: p.Gln100Arg; replaces glutamine 100 with arginine.
Molecular consequence: missense variant. On other transcripts: intron variant (2).
Genome position (GRCh38, 1-based): chr17:63,930,205, T>C on the plus strand (A>G on the coding strand, the complement: CD79B is on the minus strand). VCF-style: chr17-63930205-T-C. GRCh37 (hg19) VCF-style: chr17-62007565-T-C.
Other names: c.302A>G, p.Gln101Arg (NM_001039933.3); c.119-317A>G (NM_021602.4); c.122-317A>G (NM_001329050.2); short protein forms Q100R, Q101R.
Identifiers: ClinVar variation 1964784 (VCV001964784.5), dbSNP rs2509268833, ClinGen allele CA400604722.

ClinVar aggregate classification (germline): Uncertain significance (1 of 4 stars; one submission).

Conditions:
Agammaglobulinemia 6, autosomal recessive (AGM6). Also called: AGAMMAGLOBULINEMIA 6; AGAMMAGLOBULINEMIA, AUTOSOMAL RECESSIVE, DUE TO CD79B DEFECT. Identifiers: MedGen C3150207, MONDO:0012987, OMIM 612692.

Submission:

Labcorp Genetics (formerly Invitae), Labcorp
Classification: Uncertain significance for Agammaglobulinemia 6, autosomal recessive. Last evaluated: 2022-08-22. Review status: criteria provided, single submitter. Criteria: Invitae Variant Classification Sherloc (09022015). Collection method: clinical testing. Allele origin: germline.
Comment: In summary, the available evidence is currently insufficient to determine the role of this variant in disease. Therefore, it has been classified as a Variant of Uncertain Significance. Algorithms developed to predict the effect of missense changes on protein structure and function output the following: SIFT: "Not Available"; PolyPhen-2: "Benign"; Align-GVGD: "Not Available". The arginine amino acid residue is found in multiple mammalian species, which suggests that this missense change does not adversely affect protein function. This variant has not been reported in the literature in individuals affected with CD79B-related conditions. This variant is not present in population databases (gnomAD no frequency). This sequence change replaces glutamine, which is neutral and polar, with arginine, which is basic and polar, at codon 100 of the CD79B protein (p.Gln100Arg).